The following is an entry in ClinVar:

NM_024675.4(PALB2):c.709C>G (p.Leu237Val)

Gene: PALB2 (partner and localizer of BRCA2; minus strand). Cytogenetic location: 16p12.2.
Variant type: single nucleotide variant.
Coding change: c.709C>G on transcript NM_024675.4 (MANE Select); coding-DNA position 709, C replaced by G.
Protein change: p.Leu237Val; replaces leucine 237 with valine.
Molecular consequence: missense variant.
Genome position (GRCh38, 1-based): chr16:23,635,837, G>C on the plus strand (C>G on the coding strand, the complement: PALB2 is on the minus strand). VCF-style: chr16-23635837-G-C. GRCh37 (hg19) VCF-style: chr16-23647158-G-C.
Other names: short protein forms L237V.
Identifiers: ClinVar variation 927562 (VCV000927562.15), dbSNP rs1064794118, ClinGen allele CA395136344.
Genomic context (GRCh38, chr16:23,635,837, plus strand): 5'-CGCTATCTGATAGAGTCTGTAAAGGAACTGTAGTCGCCCTGGTGAAATTAGGTCTTCTTA[G>C]GAATGTATCAACACCTTTTTCTGGTTGGGCAGTTGGTGGAATTAATACACTGTCTTCATT-3'
Protein context (NP_078951.2, residues 227-247): AQPEKGVDTF[Leu237Val]RRPNFTRATT

ClinVar aggregate classification (germline): Uncertain significance. Review status: criteria provided, multiple submitters, no conflicts (2 of 4 stars). 5 submissions from 5 submitters: Uncertain significance (5). Last evaluated 2025-04-17.

Conditions:
Hereditary cancer-predisposing syndrome. Also called: Neoplastic Syndromes, Hereditary; Hereditary Cancer Syndrome; Tumor predisposition; Hereditary neoplastic syndrome. Identifiers: Orphanet 140162, MedGen C0027672, MeSH D009386, MONDO:0015356.
Familial cancer of breast. Also called: Hereditary breast cancer; BREAST CANCER, FAMILIAL; hereditary breast carcinoma. Identifiers: Orphanet 227535, MedGen C0346153, MONDO:0016419, OMIM 114480. Disease mechanism: loss of function.

Allele frequency attached by ClinVar (database versions not stated): gnomAD exomes below 0.00001.
gnomAD v4.1: 1 of 1,614,062 alleles (0.000062%); highest among the groups gnomAD compares: Non-Finnish European, 0.000085%; no homozygotes.

Submissions (5):

Ambry Genetics
Classification: Uncertain significance for Hereditary cancer-predisposing syndrome. Last evaluated: 2025-04-17. Review status: criteria provided, single submitter. Criteria: Ambry Variant Classification Scheme 2023. Collection method: clinical testing. Allele origin: germline.
Comment: The p.L237V variant (also known as c.709C>G), located in coding exon 4 of the PALB2 gene, results from a C to G substitution at nucleotide position 709. The leucine at codon 237 is replaced by valine, an amino acid with highly similar properties. This amino acid position is conserved. In addition, this alteration is predicted to be tolerated by in silico analysis. Based on the available evidence, the clinical significance of this variant remains unclear.

Center for Genomic Medicine, Rigshospitalet, Copenhagen University Hospital
Classification: Uncertain significance. Last evaluated: 2025-03-04. Review status: criteria provided, single submitter. Criteria: ACMG Guidelines, 2015. Collection method: clinical testing. Allele origin: germline.

Labcorp Genetics (formerly Invitae), Labcorp
Classification: Uncertain significance for Familial cancer of breast. Last evaluated: 2025-01-05. Review status: criteria provided, single submitter. Criteria: Invitae Variant Classification Sherloc (09022015). Collection method: clinical testing. Allele origin: germline.
Comment: This sequence change replaces leucine, which is neutral and non-polar, with valine, which is neutral and non-polar, at codon 237 of the PALB2 protein (p.Leu237Val). This variant is not present in population databases (gnomAD no frequency). This variant has not been reported in the literature in individuals affected with PALB2-related conditions. ClinVar contains an entry for this variant (Variation ID: 927562). An algorithm developed to predict the effect of missense changes on protein structure and function outputs the following: PolyPhen-2: "Benign". The valine amino acid residue is found in multiple mammalian species, which suggests that this missense change does not adversely affect protein function. In summary, the available evidence is currently insufficient to determine the role of this variant in disease. Therefore, it has been classified as a Variant of Uncertain Significance.

Color Diagnostics, LLC DBA Color Health
Classification: Uncertain significance for Hereditary cancer-predisposing syndrome. Last evaluated: 2023-12-05. Review status: criteria provided, single submitter. Criteria: ACMG Guidelines, 2015. Collection method: clinical testing. Allele origin: germline.
Comment: This missense variant replaces leucine with valine at codon 237 of the PALB2 protein. Computational prediction tools and conservation analyses suggest that this variant may not impact the protein function. Computational splicing tools suggest that this variant may not impact RNA splicing. To our knowledge, functional assays have not been performed for this variant nor has this variant been reported in individuals affected with hereditary cancer in the literature. This variant has not been identified in the general population by the Genome Aggregation Database (gnomAD). Available evidence is insufficient to determine the role of this variant in disease conclusively. Therefore, this variant is classified as a Variant of Uncertain Significance.

GeneDx
Classification: Uncertain significance. Last evaluated: 2019-07-09. Review status: criteria provided, single submitter. Criteria: GeneDx Variant Classification Process June 2021. Collection method: clinical testing. Allele origin: germline. Affected: yes.
Comment: Not observed in large population cohorts (Lek et al., 2016); In silico analysis, which includes protein predictors and evolutionary conservation, supports that this variant does not alter protein structure/function; Has not been previously published as pathogenic or benign to our knowledge; In silico analysis, which includes splice predictors and evolutionary conservation, suggests this variant may impact gene splicing. In the absence of RNA/functional studies, the actual effect of this sequence change is unknown.